The following is an entry in ClinVar:

ClinVar aggregate classification (germline): Uncertain significance. Review status: criteria provided, multiple submitters, no conflicts (2 of 4 stars). 2 submissions from 2 submitters: Uncertain significance (2). Last evaluated 2024-07-11.

Conditions:
Inborn genetic diseases. Identifiers: MedGen C0950123, MeSH D030342.

Submissions (2):

GeneDx
Classification: Uncertain significance. Last evaluated: 2024-07-11. Review status: criteria provided, single submitter. Criteria: GeneDx Variant Classification Process June 2021. Collection method: clinical testing. Allele origin: germline. Affected: yes.
Comment: Not observed at significant frequency in large population cohorts (gnomAD); In silico analysis indicates that this missense variant does not alter protein structure/function; Has not been previously published as pathogenic or benign to our knowledge

Ambry Genetics
Classification: Uncertain significance for Inborn genetic diseases. Last evaluated: 2021-05-27. Review status: criteria provided, single submitter. Criteria: Ambry Variant Classification Scheme 2023. Collection method: clinical testing. Allele origin: germline.

NM_001348716.2(KDM6B):c.2531G>A (p.Gly844Asp)

Gene: KDM6B (lysine demethylase 6B; plus strand). Cytogenetic location: 17p13.1.
Variant type: single nucleotide variant.
Coding change: c.2531G>A on transcript NM_001348716.2 (MANE Select); coding-DNA position 2531, G replaced by A.
Protein change: p.Gly844Asp; replaces glycine 844 with aspartic acid.
Molecular consequence: missense variant.
Genome position (GRCh38, 1-based): chr17:7,848,819, G>A. VCF-style: chr17-7848819-G-A. GRCh37 (hg19) VCF-style: chr17-7752137-G-A.
Other names: c.2531G>A, p.Gly844Asp (NM_001080424.2); short protein forms G844D.
Identifiers: ClinVar variation 2230887 (VCV002230887.3), dbSNP rs2544527478, ClinGen allele CA397920487.